The following is an entry in ClinVar:

NM_004092.4(ECHS1):c.443T>C (p.Met148Thr)

Gene: ECHS1 (enoyl-CoA hydratase, short chain 1; minus strand). Cytogenetic location: 10q26.3.
Variant type: single nucleotide variant.
Coding change: c.443T>C on transcript NM_004092.4 (MANE Select); coding-DNA position 443, T replaced by C.
Protein change: p.Met148Thr; replaces methionine 148 with threonine.
Molecular consequence: missense variant.
Genome position (GRCh38, 1-based): chr10:133,368,994, A>G on the plus strand (T>C on the coding strand, the complement: ECHS1 is on the minus strand). VCF-style: chr10-133368994-A-G. GRCh37 (hg19) VCF-style: chr10-135182498-A-G.
Other names: short protein forms M148T.
Identifiers: ClinVar variation 1996864 (VCV001996864.4), dbSNP rs758086479, ClinGen allele CA5765770.
Genomic context (GRCh38, chr10:133,368,994, plus strand): 5'-CCTATTAAGATCTCCGGCTGTGCAAACTGGGCCTTCTCACCGGCATAGATGATATCACAC[A>G]TCATGGCAAGCTCACAGCCCCCGCCAAACTGTAAAACATTCGGCATCAGGAGAGTCTTAC-3'
Protein context (NP_004083.3, residues 138-158): AFGGGCELAM[Met148Thr]CDIIYAGEKA

ClinVar aggregate classification (germline): Uncertain significance (1 of 4 stars; one submission).

Allele frequency attached by ClinVar (database versions not stated): ExAC 0.00001; gnomAD 0.00001; TOPMed 0.00001.

Submission:

Labcorp Genetics (formerly Invitae), Labcorp
Classification: Uncertain significance. Last evaluated: 2022-05-20. Review status: criteria provided, single submitter. Criteria: Invitae Variant Classification Sherloc (09022015). Collection method: clinical testing. Allele origin: germline.
Comment: This variant is present in population databases (rs758086479, gnomAD 0.007%). This sequence change replaces methionine, which is neutral and non-polar, with threonine, which is neutral and polar, at codon 148 of the ECHS1 protein (p.Met148Thr). This variant has not been reported in the literature in individuals affected with ECHS1-related conditions. In summary, the available evidence is currently insufficient to determine the role of this variant in disease. Therefore, it has been classified as a Variant of Uncertain Significance. Advanced modeling of protein sequence and biophysical properties (such as structural, functional, and spatial information, amino acid conservation, physicochemical variation, residue mobility, and thermodynamic stability) performed at Invitae indicates that this missense variant is expected to disrupt ECHS1 protein function.